The following is an entry in ClinVar:

NM_022168.4(IFIH1):c.1815G>C (p.Arg605Ser)

Gene: IFIH1 (interferon induced with helicase C domain 1; minus strand). Cytogenetic location: 2q24.2.
Variant type: single nucleotide variant.
Coding change: c.1815G>C on transcript NM_022168.4 (MANE Select); coding-DNA position 1815, G replaced by C.
Protein change: p.Arg605Ser; replaces arginine 605 with serine.
Molecular consequence: missense variant.
Genome position (GRCh38, 1-based): chr2:162,277,644, C>G on the plus strand (G>C on the coding strand, the complement: IFIH1 is on the minus strand). VCF-style: chr2-162277644-C-G. GRCh37 (hg19) VCF-style: chr2-163134154-C-G.
Other names: short protein forms R605S.
Identifiers: ClinVar variation 2631150 (VCV002631150.2), dbSNP rs2468959512, ClinGen allele CA348999728.
Genomic context (GRCh38, chr2:162,277,644, plus strand): 5'-ATGAGTATACGCATCTATCATTCGAATTGTGTCATTAATTTGTAGGGCCTCATTGTACTT[C>G]CTCAAATGTTCTGCACAAACACGTTCTTTGCGATTTCCTTCTTTTGCAGCTGTGAAAAAA-3'
Protein context (NP_071451.2, residues 595-615): RKERVCAEHL[Arg605Ser]KYNEALQIND

ClinVar aggregate classification (germline): Uncertain significance (1 of 4 stars; one submission).

Conditions:
IFIH1-related disorder. Also called: IFIH1-related condition.

Submission:

PreventionGenetics, part of Exact Sciences
Classification: Uncertain significance for IFIH1-related condition. Last evaluated: 2025-04-11. Review status: criteria provided, single submitter. Criteria: ACMG Guidelines, 2015. Collection method: clinical testing. Allele origin: germline.
Comment: The IFIH1 c.1815G>C variant is predicted to result in the amino acid substitution p.Arg605Ser. To our knowledge, this variant has not been reported in the literature or in a large population database, indicating this variant is rare. At this time, the clinical significance of this variant is uncertain due to the absence of conclusive functional and genetic evidence.